The following is an entry in ClinVar:

NM_032638.5(GATA2):c.1054T>G (p.Cys352Gly)

Gene: GATA2 (GATA binding protein 2; minus strand). Cytogenetic location: 3q21.3.
Variant type: single nucleotide variant.
Coding change: c.1054T>G on transcript NM_032638.5 (MANE Select); coding-DNA position 1054, T replaced by G.
Protein change: p.Cys352Gly; replaces cysteine 352 with glycine.
Molecular consequence: missense variant. On other transcripts: intron variant (1).
Genome position (GRCh38, 1-based): chr3:128,481,908, A>C on the plus strand (T>G on the coding strand, the complement: GATA2 is on the minus strand). VCF-style: chr3-128481908-A-C. GRCh37 (hg19) VCF-style: chr3-128200751-A-C.
Other names: c.1054T>G, p.Cys352Gly (NM_001145661.2); c.1018-6T>G (NM_001145662.1); c.1054T>G (NM_032638.4); short protein forms C352G.
Identifiers: ClinVar variation 1184226 (VCV001184226.2), dbSNP rs797045591, ClinGen allele CA354413636.

ClinVar aggregate classification (germline): Likely pathogenic. Review status: criteria provided, multiple submitters, no conflicts (2 of 4 stars). 2 submissions from 2 submitters: Likely pathogenic (2). Last evaluated 2025-01-14.

Conditions:
Deafness-lymphedema-leukemia syndrome. Also called: Emberger syndrome; Lymphedema, primary, with myelodysplasia. Identifiers: Orphanet 3226, MedGen C3279664, MONDO:0013540, OMIM 614038.
GATA2 deficiency with susceptibility to MDS/AML. Identifiers: MedGen CN300066, MONDO:0042982.

Submissions (2):

GeneDx
Classification: Likely pathogenic. Last evaluated: 2025-01-14. Review status: criteria provided, single submitter. Criteria: GeneDx Variant Classification Process June 2021. Collection method: clinical testing. Allele origin: germline. Affected: yes.
Comment: Not observed at significant frequency in large population cohorts (gnomAD); In silico analysis supports that this missense variant has a deleterious effect on protein structure/function; This variant is associated with the following publications: (PMID: 1714909, 28179282, 26702063)

Molecular Pathology Research Laboratory, SA Pathology
Classification: Likely pathogenic for GATA2 deficiency with susceptibility to MDS/AML; Deafness-lymphedema-leukemia syndrome. Last evaluated: 2021-07-06. Review status: criteria provided, single submitter. Criteria: ACMG Guidelines, 2015. Collection method: curation. Allele origin: unknown. Inheritance: Autosomal dominant inheritance. Affected: yes. Observed: 1 variant allele.
Comment: PS4_Supporting, PM1, PM2, PM5, PP33

Literature cited by the submitters: PubMed 26702063 (cited by Molecular Pathology Research Laboratory, SA Pathology).